The following is an entry in ClinVar:

ClinVar aggregate classification (germline): Uncertain significance (1 of 4 stars; one submission).

Conditions:
Cortical dysplasia-focal epilepsy syndrome (PTHSL1). Also called: Pitt-Hopkins-like syndrome 1. Identifiers: Orphanet 163681, Orphanet 221150, MedGen C2750246, MONDO:0012400, OMIM 610042.

Allele frequency attached by ClinVar (database versions not stated): TOPMed below 0.00001.

Submission:

Labcorp Genetics (formerly Invitae), Labcorp
Classification: Uncertain significance for Cortical dysplasia-focal epilepsy syndrome. Last evaluated: 2022-02-17. Review status: criteria provided, single submitter. Criteria: Invitae Variant Classification Sherloc (09022015). Collection method: clinical testing. Allele origin: germline.
Comment: In summary, the available evidence is currently insufficient to determine the role of this variant in disease. Therefore, it has been classified as a Variant of Uncertain Significance. Variants that disrupt the consensus splice site are a relatively common cause of aberrant splicing (PMID: 17576681, 9536098). Algorithms developed to predict the effect of sequence changes on RNA splicing suggest that this variant is not likely to affect RNA splicing. This variant has not been reported in the literature in individuals affected with CNTNAP2-related conditions. This variant is not present in population databases (gnomAD no frequency). This sequence change falls in intron 7 of the CNTNAP2 gene. It does not directly change the encoded amino acid sequence of the CNTNAP2 protein. It affects a nucleotide within the consensus splice site.

Literature cited by the submitters: PubMed 17576681; PubMed 9536098.

NM_014141.6(CNTNAP2):c.1084-3C>T

Gene: CNTNAP2 (contactin associated protein 2; plus strand). Cytogenetic location: 7q35.
Variant type: single nucleotide variant.
Coding change: c.1084-3C>T on transcript NM_014141.6 (MANE Select); 3 bases into the intron before coding-DNA position 1084, C replaced by T.
Molecular consequence: intron variant.
Genome position (GRCh38, 1-based): chr7:147,132,242, C>T. VCF-style: chr7-147132242-C-T. GRCh37 (hg19) VCF-style: chr7-146829334-C-T.
Identifiers: ClinVar variation 1983898 (VCV001983898.4), dbSNP rs1801389157, ClinGen allele CA1750623695.
Genomic context (GRCh38, chr7:147,132,242, plus strand): 5'-GGTCTGACATGGATGTTCATTTTATTCTGTGTTTTCCTCAGAGCCTGTCTTTCTATTTTA[C>T]AGGGAAATTTGAGCTTTTCTTGTGTGGAACCCTATACGGTGCCTGTCTTTTTCAACGCTA-3'